The following is an entry in ClinVar:

ClinVar aggregate classification (germline): Uncertain significance. Review status: criteria provided, multiple submitters, no conflicts (2 of 4 stars). 2 submissions from 2 submitters: Uncertain significance (2). Last evaluated 2024-10-22.

Conditions:
Vanishing white matter disease. Also called: CACH syndrome; Childhood ataxia with diffuse central nervous system hypomyelination; Leukoencephalopathy with vanishing white matter; CACH/VWM syndrome; Cree leukoencehalopathy. Identifiers: Orphanet 135, Orphanet 99853, MedGen C1858991, MONDO:0800448.

Allele frequency attached by ClinVar (database versions not stated): gnomAD exomes below 0.00001 and 0.00002; TOPMed below 0.00001; gnomAD 0.00001; ExAC 0.00004.
gnomAD v4.1: 6 of 1,613,946 alleles (0.00037%); highest among the groups gnomAD compares: East Asian, 0.0022%; no homozygotes.

Submissions (2):

Labcorp Genetics (formerly Invitae), Labcorp
Classification: Uncertain significance. Last evaluated: 2024-10-22. Review status: criteria provided, single submitter. Criteria: Invitae Variant Classification Sherloc (09022015). Collection method: clinical testing. Allele origin: germline.
Comment: This sequence change replaces asparagine, which is neutral and polar, with serine, which is neutral and polar, at codon 403 of the EIF2B3 protein (p.Asn403Ser). This variant is present in population databases (rs770622953, gnomAD 0.007%). This variant has not been reported in the literature in individuals affected with EIF2B3-related conditions. ClinVar contains an entry for this variant (Variation ID: 876125). Invitae Evidence Modeling of protein sequence and biophysical properties (such as structural, functional, and spatial information, amino acid conservation, physicochemical variation, residue mobility, and thermodynamic stability) indicates that this missense variant is not expected to disrupt EIF2B3 protein function with a negative predictive value of 80%. In summary, the available evidence is currently insufficient to determine the role of this variant in disease. Therefore, it has been classified as a Variant of Uncertain Significance.

Illumina Laboratory Services, Illumina
Classification: Uncertain significance for Leukoencephalopathy with vanishing white matter 1. Last evaluated: 2018-01-13. Review status: criteria provided, single submitter. Criteria: ICSL Variant Classification Criteria 13 December 2019. Collection method: clinical testing. Allele origin: germline.

NM_020365.5(EIF2B3):c.1208A>G (p.Asn403Ser)

Gene: EIF2B3 (eukaryotic translation initiation factor 2B subunit gamma; minus strand). Cytogenetic location: 1p34.1.
Variant type: single nucleotide variant.
Coding change: c.1208A>G on transcript NM_020365.5 (MANE Select); coding-DNA position 1208, A replaced by G.
Protein change: p.Asn403Ser; replaces asparagine 403 with serine.
Molecular consequence: missense variant. On other transcripts: intron variant (1).
Genome position (GRCh38, 1-based): chr1:44,857,802, T>C on the plus strand (A>G on the coding strand, the complement: EIF2B3 is on the minus strand). VCF-style: chr1-44857802-T-C. GRCh37 (hg19) VCF-style: chr1-45323474-T-C.
Other names: c.1203-6799A>G (NM_001261418.2); short protein forms N403S.
Identifiers: ClinVar variation 876125 (VCV000876125.7), dbSNP rs770622953, ClinGen allele CA823798.